The following is an entry in ClinVar:

ClinVar aggregate classification (germline): Likely pathogenic (1 of 4 stars; one submission).

Allele frequency attached by ClinVar (database versions not stated): gnomAD exomes below 0.00001; TOPMed below 0.00001.
gnomAD v4.1: 2 of 1,614,040 alleles (0.00012%); highest among the groups gnomAD compares: Non-Finnish European, 0.00017%; no homozygotes.

Submission:

Labcorp Genetics (formerly Invitae), Labcorp
Classification: Likely pathogenic. Last evaluated: 2022-05-19. Review status: criteria provided, single submitter. Criteria: Invitae Variant Classification Sherloc (09022015). Collection method: clinical testing. Allele origin: germline.
Comment: This sequence change affects an acceptor splice site in intron 10 of the COL27A1 gene. It is expected to disrupt RNA splicing. Variants that disrupt the donor or acceptor splice site typically lead to a loss of protein function (PMID: 16199547), and loss-of-function variants in COL27A1 are known to be pathogenic (PMID: 24986830, 28276056). This variant is not present in population databases (gnomAD no frequency). This variant has not been reported in the literature in individuals affected with COL27A1-related conditions. Algorithms developed to predict the effect of sequence changes on RNA splicing suggest that this variant may disrupt the consensus splice site. In summary, the currently available evidence indicates that the variant is pathogenic, but additional data are needed to prove that conclusively. Therefore, this variant has been classified as Likely Pathogenic.

Literature cited by the submitters: PubMed 16199547; PubMed 24986830; PubMed 28276056.

NM_032888.4(COL27A1):c.2269-2A>G

Gene: COL27A1 (collagen type XXVII alpha 1 chain; plus strand). Cytogenetic location: 9q32.
Variant type: single nucleotide variant.
Coding change: c.2269-2A>G on transcript NM_032888.4 (MANE Select); the canonical splice acceptor site of the intron before coding-DNA position 2269, A replaced by G.
Molecular consequence: splice acceptor variant.
Genome position (GRCh38, 1-based): chr9:114,209,673, A>G. VCF-style: chr9-114209673-A-G. GRCh37 (hg19) VCF-style: chr9-116971953-A-G.
Identifiers: ClinVar variation 1996373 (VCV001996373.4), dbSNP rs1830214555, ClinGen allele CA374601189.